The following is an entry in ClinVar:

ClinVar aggregate classification (germline): Uncertain significance. Review status: reviewed by expert panel (3 of 4 stars). 2 submissions from 2 submitters: Uncertain significance (1). 1 of the submissions does not count toward it. Last evaluated 2026-05-27.

Conditions:
Inborn genetic diseases. Identifiers: MedGen C0950123, MeSH D030342.
Hereditary thrombocytopenia and hematologic cancer predisposition syndrome. Identifiers: Orphanet 71290, MedGen CN281654, MONDO:0011071.

gnomAD v4.1: 2 of 1,545,264 alleles (0.00013%); highest among the groups gnomAD compares: Admixed American, 0.002%; no homozygotes.

Submissions (2):

ClinGen Myeloid Malignancy Variant Curation Expert Panel
Classification: Uncertain significance for Hereditary thrombocytopenia and hematologic cancer predisposition syndrome. Last evaluated: 2026-05-27. Review status: reviewed by expert panel. Criteria: ClinGen MyeloMalig ACMG Specifications V3.1. Collection method: curation. Allele origin: germline. Inheritance: Autosomal dominant inheritance.
Comment: NM_001754.5(RUNX1):c.1240T>C (p.Tyr414His) is a missense variant which has a MAF ≤ 0.00005 in gnomAD v4 across all subpopulations with at least 20x coverage for RUNX1 (PM2_Supporting) and has a REVEL score ≤ 0.50 (0.35)(BP4). In summary, the clinical significance of this variant is uncertain. ACMG/AMP criteria applied, as specified by the Myeloid Malignancy Variant Curation Expert Panel for RUNX1: PM2_Supporting, BP4.

Ambry Genetics
Classification: Uncertain significance for Inborn genetic diseases. Last evaluated: 2025-06-05. Review status: criteria provided, single submitter. Criteria: Ambry Variant Classification Scheme 2023. Collection method: clinical testing. Allele origin: germline. Not counted in ClinVar's aggregate classification.
Comment: The p.Y414H variant (also known as c.1240T>C), located in coding exon 8 of the RUNX1 gene, results from a T to C substitution at nucleotide position 1240. The tyrosine at codon 414 is replaced by histidine, an amino acid with similar properties. This amino acid position is highly conserved in available vertebrate species. In addition, this alteration is predicted to be tolerated by in silico analysis. Based on the available evidence, the clinical significance of this variant remains unclear.

NM_001754.5(RUNX1):c.1240T>C (p.Tyr414His)

Gene: RUNX1 (RUNX family transcription factor 1; minus strand). Cytogenetic location: 21q22.12.
Variant type: single nucleotide variant.
Coding change: c.1240T>C on transcript NM_001754.5 (MANE Select); coding-DNA position 1240, T replaced by C.
Protein change: p.Tyr414His; replaces tyrosine 414 with histidine.
Molecular consequence: missense variant.
Genome position (GRCh38, 1-based): chr21:34,792,338, A>G on the plus strand (T>C on the coding strand, the complement: RUNX1 is on the minus strand). VCF-style: chr21-34792338-A-G. GRCh37 (hg19) VCF-style: chr21-36164635-A-G.
Other names: NM_001754.5(RUNX1):c.1240T>C; p.Tyr414His; c.1159T>C, p.Tyr387His (NM_001001890.3); short protein forms Y387H, Y414H.
Identifiers: ClinVar variation 3948827 (VCV003948827.2).